The following is an entry in ClinVar:

ClinVar aggregate classification (germline): Uncertain significance (1 of 4 stars; one submission).

Conditions:
Loeys-Dietz syndrome 2 (LDS2). Also called: AORTIC ANEURYSM, FAMILIAL THORACIC 3; MARFAN SYNDROME, TYPE II; Marfan Syndrome type 2; Marfan like connective tissue disorder; MFS 2; TGFBR2-Related Loeys-Dietz Syndrome. Identifiers: Orphanet 284973, Orphanet 558, MedGen C2674574, MONDO:0012427, OMIM 610168.

gnomAD v4.1: 1 of 1,614,150 alleles (0.000062%); no homozygotes.

Submission:

Labcorp Genetics (formerly Invitae), Labcorp
Classification: Uncertain significance for Loeys-Dietz syndrome 2. Last evaluated: 2024-05-20. Review status: criteria provided, single submitter. Criteria: Invitae Variant Classification Sherloc (09022015). Collection method: clinical testing. Allele origin: germline.
Comment: This sequence change replaces histidine, which is basic and polar, with leucine, which is neutral and non-polar, at codon 245 of the TMPO protein (p.His245Leu). This variant is not present in population databases (gnomAD no frequency). This variant has not been reported in the literature in individuals affected with TMPO-related conditions. Advanced modeling of protein sequence and biophysical properties (such as structural, functional, and spatial information, amino acid conservation, physicochemical variation, residue mobility, and thermodynamic stability) performed at Invitae indicates that this missense variant is not expected to disrupt TMPO protein function with a negative predictive value of 80%. In summary, the available evidence is currently insufficient to determine the role of this variant in disease. Therefore, it has been classified as a Variant of Uncertain Significance.

NM_001032283.3(TMPO):c.565+1153A>T

Gene: TMPO (thymopoietin; plus strand). Cytogenetic location: 12q23.1.
Variant type: single nucleotide variant.
Coding change: c.565+1153A>T on transcript NM_001032283.3 (MANE Select); 1153 bases into the intron after coding-DNA position 565, A replaced by T.
Molecular consequence: intron variant. On other transcripts: missense variant (1).
Genome position (GRCh38, 1-based): chr12:98,532,991, A>T. VCF-style: chr12-98532991-A-T. GRCh37 (hg19) VCF-style: chr12-98926769-A-T.
Other names: c.734A>T, p.His245Leu (NM_003276.2); c.565+1153A>T (NM_001307975.2, NM_001032284.3); short protein forms H245L.
Identifiers: ClinVar variation 3621769 (VCV003621769.2).
Genomic context (GRCh38, chr12:98,532,991, plus strand): 5'-CTGAAATCTCCACCCGTCCTCCTTTGGGCAGTACCGAACTACAGGCAGCTAAGAAAGTAC[A>T]TACTTCTAAGGGAGACCTACCTAGGGAGCCTCTTGTTGCCACAAACTTGCCTGGCAGGGG-3'